The following is an entry in ClinVar:

ClinVar aggregate classification (germline): Benign (1 of 4 stars; one submission).

Conditions:
Erythrocytosis, familial, 3 (ECYT3). Identifiers: Orphanet 247511, MedGen C1853286, MONDO:0012353, OMIM 609820.

Allele frequency attached by ClinVar (database versions not stated): 1000 Genomes Project 30x 0.00031; 1000 Genomes Project 0.00040; gnomAD 0.00059 and 0.00061; TOPMed 0.00077.

Submission:

Illumina Laboratory Services, Illumina
Classification: Benign for Erythrocytosis, familial, 3. Last evaluated: 2018-01-13. Review status: criteria provided, single submitter. Criteria: ICSL Variant Classification Criteria 13 December 2019. Collection method: clinical testing. Allele origin: germline.
Comment: This variant was observed in the ICSL laboratory as part of a predisposition screen in an ostensibly healthy population. It had not been previously curated by ICSL or reported in the Human Gene Mutation Database (HGMD: prior to June 1st, 2018), and was therefore a candidate for classification through an automated scoring system. Utilizing variant allele frequency, disease prevalence and penetrance estimates, and inheritance mode, an automated score was calculated to assess if this variant is too frequent to cause the disease. Based on the score and internal cut-off values, a variant classified as benign is not then subjected to further curation. The score for this variant resulted in a classification of benign for this disease.

NM_022051.3(EGLN1):c.*1288C>T

Gene: EGLN1 (egl-9 family hypoxia inducible factor 1; minus strand). Cytogenetic location: 1q42.2.
Variant type: single nucleotide variant.
Coding change: c.*1288C>T on transcript NM_022051.3 (MANE Select); 1288 bases downstream of the stop codon, C replaced by T.
Molecular consequence: 3 prime UTR variant.
Genome position (GRCh38, 1-based): chr1:231,365,123, G>A on the plus strand (C>T on the coding strand, the complement: EGLN1 is on the minus strand). VCF-style: chr1-231365123-G-A. GRCh37 (hg19) VCF-style: chr1-231500869-G-A.
Other names: c.*1349C>T (NM_001377260.1); c.*1394C>T (NM_001377261.1).
Identifiers: ClinVar variation 296161 (VCV000296161.5), dbSNP rs578226800, ClinGen allele CA10610278.